The following is an entry in ClinVar:

ClinVar aggregate classification (germline): Uncertain significance (1 of 4 stars; one submission).

Allele frequency attached by ClinVar (database versions not stated): gnomAD 0.00002; TOPMed 0.00002; ExAC 0.00004; ESP Exome Variant Server 0.00008.
gnomAD v4.1: 36 of 1,612,466 alleles (0.0022%); highest among the groups gnomAD compares: South Asian, 0.0044%; no homozygotes.

Submission:

Labcorp Genetics (formerly Invitae), Labcorp
Classification: Uncertain significance. Last evaluated: 2022-08-09. Review status: criteria provided, single submitter. Criteria: Invitae Variant Classification Sherloc (09022015). Collection method: clinical testing. Allele origin: germline.
Comment: This sequence change replaces valine, which is neutral and non-polar, with methionine, which is neutral and non-polar, at codon 264 of the COQ8A protein (p.Val264Met). This variant is present in population databases (rs369473365, gnomAD 0.007%). This variant has not been reported in the literature in individuals affected with COQ8A-related conditions. Advanced modeling of protein sequence and biophysical properties (such as structural, functional, and spatial information, amino acid conservation, physicochemical variation, residue mobility, and thermodynamic stability) performed at Invitae indicates that this missense variant is expected to disrupt COQ8A protein function. In summary, the available evidence is currently insufficient to determine the role of this variant in disease. Therefore, it has been classified as a Variant of Uncertain Significance.

NM_020247.5(COQ8A):c.790G>A (p.Val264Met)

Gene: COQ8A (coenzyme Q8A; plus strand). Cytogenetic location: 1q42.13.
Variant type: single nucleotide variant.
Coding change: c.790G>A on transcript NM_020247.5 (MANE Select); coding-DNA position 790, G replaced by A.
Protein change: p.Val264Met; replaces valine 264 with methionine.
Molecular consequence: missense variant.
Genome position (GRCh38, 1-based): chr1:226,982,086, G>A. VCF-style: chr1-226982086-G-A. GRCh37 (hg19) VCF-style: chr1-227169787-G-A.
Other names: short protein forms V264M.
Identifiers: ClinVar variation 1908220 (VCV001908220.2), dbSNP rs369473365, ClinGen allele CA1425155.